The following is an entry in ClinVar:

NM_001206999.2(CIT):c.2086C>T (p.Arg696Cys)

Gene: CIT (citron rho-interacting serine/threonine kinase; minus strand). Cytogenetic location: 12q24.23.
Variant type: single nucleotide variant.
Coding change: c.2086C>T on transcript NM_001206999.2 (MANE Select); coding-DNA position 2086, C replaced by T.
Protein change: p.Arg696Cys; replaces arginine 696 with cysteine.
Molecular consequence: missense variant. On other transcripts: intron variant (1).
Genome position (GRCh38, 1-based): chr12:119,770,907, G>A on the plus strand (C>T on the coding strand, the complement: CIT is on the minus strand). VCF-style: chr12-119770907-G-A. GRCh37 (hg19) VCF-style: chr12-120208711-G-A.
Other names: c.2082+1863C>T (NM_007174.3); c.2086C>T (NM_001206999.1); short protein forms R696C.
Identifiers: ClinVar variation 2171345 (VCV002171345.5), dbSNP rs747535498, ClinGen allele CA6821870.
Genomic context (GRCh38, chr12:119,770,907, plus strand): 5'-TGTTTTCTCTACGCTCCATGGTCTCTAGTCTCTTTACCTTGTTCTCCAGAGAATGGCGGC[G>A]TTCCTGTAGATCATGAATCAATCAGAGAGTTTTAATGGAGTAACCGCTATGGGCATAACA-3'
Protein context (NP_001193928.1, residues 686-706): IRKKLVEAEE[Arg696Cys]RHSLENKVKR

ClinVar aggregate classification (germline): Uncertain significance. Review status: criteria provided, multiple submitters, no conflicts (2 of 4 stars). 3 submissions from 3 submitters: Uncertain significance (3). Last evaluated 2025-04-02.

Conditions:
Inborn genetic diseases. Identifiers: MedGen C0950123, MeSH D030342.
Microcephaly 17, primary, autosomal recessive (MCPH17). Identifiers: Orphanet 2512, MedGen C4310723, MONDO:0014908, OMIM 617090.

Allele frequency attached by ClinVar (database versions not stated): gnomAD 0.00021; ExAC 0.00008; TOPMed 0.00023; gnomAD exomes 0.00004.
gnomAD v4.1: 94 of 1,612,506 alleles (0.0058%); highest among the groups gnomAD compares: African/African-American, 0.045%; no homozygotes.

Submissions (3):

Ambry Genetics
Classification: Uncertain significance for Inborn genetic diseases. Last evaluated: 2025-04-02. Review status: criteria provided, single submitter. Criteria: Ambry Variant Classification Scheme 2023. Collection method: clinical testing. Allele origin: germline.

Labcorp Genetics (formerly Invitae), Labcorp
Classification: Uncertain significance. Last evaluated: 2022-09-10. Review status: criteria provided, single submitter. Criteria: Invitae Variant Classification Sherloc (09022015). Collection method: clinical testing. Allele origin: germline.
Comment: This sequence change replaces arginine, which is basic and polar, with cysteine, which is neutral and slightly polar, at codon 696 of the CIT protein (p.Arg696Cys). This variant is present in population databases (rs747535498, gnomAD 0.06%). This variant has not been reported in the literature in individuals affected with CIT-related conditions. Algorithms developed to predict the effect of missense changes on protein structure and function are either unavailable or do not agree on the potential impact of this missense change (SIFT: "Deleterious"; PolyPhen-2: "Possibly Damaging"; Align-GVGD: "Class C0"). In summary, the available evidence is currently insufficient to determine the role of this variant in disease. Therefore, it has been classified as a Variant of Uncertain Significance.

Baylor Genetics
Classification: Uncertain significance for Microcephaly 17, primary, autosomal recessive. Last evaluated: 2021-03-30. Review status: criteria provided, single submitter. Criteria: ACMG Guidelines, 2015. Collection method: clinical testing. Allele origin: unknown.